The following is an entry in ClinVar:

NM_004924.6(ACTN4):c.497A>G (p.Lys166Arg)

Gene: ACTN4 (actinin alpha 4; plus strand). Cytogenetic location: 19q13.2.
Variant type: single nucleotide variant.
Coding change: c.497A>G on transcript NM_004924.6 (MANE Select); coding-DNA position 497, A replaced by G.
Protein change: p.Lys166Arg; replaces lysine 166 with arginine.
Molecular consequence: missense variant.
Genome position (GRCh38, 1-based): chr19:38,706,056, A>G. VCF-style: chr19-38706056-A-G. GRCh37 (hg19) VCF-style: chr19-39196696-A-G.
Other names: c.497A>G (NM_004924.4); c.497A>G, p.Lys166Arg (NM_001322033.2); short protein forms K166R.
Identifiers: ClinVar variation 591474 (VCV000591474.5), dbSNP rs754477143, ClinGen allele CA308130382.

ClinVar aggregate classification (germline): Uncertain significance. Review status: criteria provided, multiple submitters, no conflicts (2 of 4 stars). 4 submissions from 4 submitters: Uncertain significance (3). 1 of the submissions does not count toward it. Last evaluated 2025-12-24.

Conditions:
Inborn genetic diseases. Identifiers: MedGen C0950123, MeSH D030342.
Focal segmental glomerulosclerosis 1 (FSGS1). Identifiers: Orphanet 656, MedGen C4551527, MONDO:0011303, OMIM 603278.

Allele frequency attached by ClinVar (database versions not stated): gnomAD exomes below 0.00001; gnomAD 0.00001; TOPMed 0.00002.
gnomAD v4.1: 2 of 1,614,040 alleles (0.00012%); highest among the groups gnomAD compares: Non-Finnish European, 0.00017%; no homozygotes.

Submissions (4):

Labcorp Genetics (formerly Invitae), Labcorp
Classification: Uncertain significance. Last evaluated: 2025-12-24. Review status: criteria provided, single submitter. Criteria: Invitae Variant Classification Sherloc (09022015). Collection method: clinical testing. Allele origin: germline.
Comment: This sequence change replaces lysine, which is basic and polar, with arginine, which is basic and polar, at codon 166 of the ACTN4 protein (p.Lys166Arg). This variant is not present in population databases (gnomAD no frequency). This variant has not been reported in the literature in individuals affected with ACTN4-related conditions. ClinVar contains an entry for this variant (Variation ID: 591474). Invitae Evidence Modeling of protein sequence and biophysical properties (such as structural, functional, and spatial information, amino acid conservation, physicochemical variation, residue mobility, and thermodynamic stability) indicates that this missense variant is not expected to disrupt ACTN4 protein function with a negative predictive value of 80%. In summary, the available evidence is currently insufficient to determine the role of this variant in disease. Therefore, it has been classified as a Variant of Uncertain Significance.

Ambry Genetics
Classification: Uncertain significance for Inborn genetic diseases. Last evaluated: 2022-09-28. Review status: criteria provided, single submitter. Criteria: Ambry Variant Classification Scheme 2023. Collection method: clinical testing. Allele origin: germline.

Fulgent Genetics
Classification: Uncertain significance for Focal segmental glomerulosclerosis 1. Last evaluated: 2022-04-07. Review status: criteria provided, single submitter. Criteria: ACMG Guidelines, 2015. Collection method: clinical testing. Allele origin: unknown.

Gharavi Laboratory, Columbia University
Classification: Uncertain significance. Last evaluated: 2018-09-16. Review status: no assertion criteria provided. Criteria: ACMG Guidelines, 2015. Collection method: research. Allele origin: germline. Affected: yes. Not counted in ClinVar's aggregate classification.